The following is an entry in ClinVar:

NM_138694.4(PKHD1):c.2001T>C (p.Cys667=)

Gene: PKHD1 (PKHD1 ciliary IPT domain containing fibrocystin/polyductin; minus strand). Cytogenetic location: 6p12.2.
Variant type: single nucleotide variant.
Coding change: c.2001T>C on transcript NM_138694.4 (MANE Select); coding-DNA position 2001, T replaced by C.
Protein change: p.Cys667=; no amino-acid change (cysteine 667 retained).
Molecular consequence: synonymous variant.
Genome position (GRCh38, 1-based): chr6:52,053,215, A>G on the plus strand (T>C on the coding strand, the complement: PKHD1 is on the minus strand). VCF-style: chr6-52053215-A-G. GRCh37 (hg19) VCF-style: chr6-51918013-A-G.
Other names: c.2001T>C (NM_138694.3); c.2001T>C, p.Cys667= (NM_170724.3).
Identifiers: ClinVar variation 1106908 (VCV001106908.10), dbSNP rs1807156390, ClinGen allele CA450421504.

ClinVar aggregate classification (germline): Likely benign. Review status: criteria provided, multiple submitters, no conflicts (2 of 4 stars). 2 submissions from 2 submitters: Likely benign (2). Last evaluated 2026-01-06.

Conditions:
PKHD1-related disorder. Also called: PKHD1-related condition.
Autosomal recessive polycystic kidney disease (ARPKD). Also called: AR polycystic kidney disease. Identifiers: Orphanet 731, Orphanet 8378, MedGen C0085548, MeSH D017044, MONDO:0009889.

gnomAD v4.1: 2 of 1,614,230 alleles (0.00012%); highest among the groups gnomAD compares: Non-Finnish European, 0.000085%; no homozygotes.

Submissions (2):

PreventionGenetics, part of Exact Sciences
Classification: Likely benign for PKHD1-related condition. Last evaluated: 2026-01-06. Review status: criteria provided, single submitter. Criteria: ACMG Guidelines, 2015. Collection method: clinical testing. Allele origin: germline.
Comment: This variant is classified as likely benign based on ACMG/AMP sequence variant interpretation guidelines (Richards et al. 2015 PMID: 25741868, with internal and published modifications).

Labcorp Genetics (formerly Invitae), Labcorp
Classification: Likely benign for Autosomal recessive polycystic kidney disease. Last evaluated: 2023-09-18. Review status: criteria provided, single submitter. Criteria: Invitae Variant Classification Sherloc (09022015). Collection method: clinical testing. Allele origin: germline.